The following is an entry in ClinVar:

ClinVar aggregate classification (germline): Uncertain significance. Review status: criteria provided, multiple submitters, no conflicts (2 of 4 stars). 2 submissions from 2 submitters: Uncertain significance (2). Last evaluated 2023-01-24.

Conditions:
Inborn genetic diseases. Identifiers: MedGen C0950123, MeSH D030342.
Muscular dystrophy-dystroglycanopathy (congenital with brain and eye anomalies), type a, 8 (MDDGA8). Also called: WALKER-WARBURG SYNDROME OR MUSCLE-EYE-BRAIN DISEASE, GTDC2-RELATED. Identifiers: Orphanet 899, MedGen C3553813, MONDO:0013904, OMIM 614830.

Allele frequency attached by ClinVar (database versions not stated): gnomAD 0.00001; TOPMed 0.00001; gnomAD exomes 0.00002 and 0.00004.
gnomAD v4.1: 50 of 1,603,714 alleles (0.0031%); highest among the groups gnomAD compares: Non-Finnish European, 0.004%; no homozygotes.

Submissions (2):

Ambry Genetics
Classification: Uncertain significance for Inborn genetic diseases. Last evaluated: 2023-01-24. Review status: criteria provided, single submitter. Criteria: Ambry Variant Classification Scheme 2023. Collection method: clinical testing. Allele origin: germline.

Labcorp Genetics (formerly Invitae), Labcorp
Classification: Uncertain significance for Muscular dystrophy-dystroglycanopathy (congenital with brain and eye anomalies), type a, 8. Last evaluated: 2022-08-17. Review status: criteria provided, single submitter. Criteria: Invitae Variant Classification Sherloc (09022015). Collection method: clinical testing. Allele origin: germline.
Comment: This variant has not been reported in the literature in individuals affected with POMGNT2-related conditions. In summary, the available evidence is currently insufficient to determine the role of this variant in disease. Therefore, it has been classified as a Variant of Uncertain Significance. Algorithms developed to predict the effect of missense changes on protein structure and function are either unavailable or do not agree on the potential impact of this missense change (SIFT: "Deleterious"; PolyPhen-2: "Not Available"; Align-GVGD: "Class C0"). ClinVar contains an entry for this variant (Variation ID: 1357349). The frequency data for this variant in the population databases is considered unreliable, as metrics indicate poor data quality at this position in the gnomAD database. This sequence change replaces alanine, which is neutral and non-polar, with valine, which is neutral and non-polar, at codon 17 of the POMGNT2 protein (p.Ala17Val).

NM_032806.6(POMGNT2):c.50C>T (p.Ala17Val)

Gene: POMGNT2 (protein O-linked mannose N-acetylglucosaminyltransferase 2 (beta 1,4-); minus strand). Cytogenetic location: 3p22.1.
Variant type: single nucleotide variant.
Coding change: c.50C>T on transcript NM_032806.6 (MANE Select); coding-DNA position 50, C replaced by T.
Protein change: p.Ala17Val; replaces alanine 17 with valine.
Molecular consequence: missense variant.
Genome position (GRCh38, 1-based): chr3:43,081,382, G>A on the plus strand (C>T on the coding strand, the complement: POMGNT2 is on the minus strand). VCF-style: chr3-43081382-G-A. GRCh37 (hg19) VCF-style: chr3-43122874-G-A.
Other names: c.50C>T (NM_032806.4); short protein forms A17V.
Identifiers: ClinVar variation 1357349 (VCV001357349.5), dbSNP rs771302608, ClinGen allele CA2340167.
Genomic context (GRCh38, chr3:43,081,382, plus strand): 5'-GCCAGCTCCTCCTCCAGTGTGGCTGCATGCTCACGCAGCCGCACATGCTTCCACAGGACC[G>A]CTGCCAGCACCGACACCAGGAGGGCGTTGAACACCGCCGAGAGGTGCATCCTAATGCCAC-3'
Protein context (NP_116195.2, residues 7-27): FNALLVSVLA[Ala17Val]VLWKHVRLRE